The following is an entry in ClinVar:

NM_006734.4(HIVEP2):c.6686T>C (p.Val2229Ala)

Gene: HIVEP2 (HIVEP zinc finger 2; minus strand). Cytogenetic location: 6q24.2.
Variant type: single nucleotide variant.
Coding change: c.6686T>C on transcript NM_006734.4 (MANE Select); coding-DNA position 6686, T replaced by C.
Protein change: p.Val2229Ala; replaces valine 2229 with alanine.
Molecular consequence: missense variant.
Genome position (GRCh38, 1-based): chr6:142,753,762, A>G on the plus strand (T>C on the coding strand, the complement: HIVEP2 is on the minus strand). VCF-style: chr6-142753762-A-G. GRCh37 (hg19) VCF-style: chr6-143074899-A-G.
Other names: c.6686T>C, p.Val2229Ala (NM_001438449.1, NM_001438450.1, NM_001438451.1); short protein forms V2229A.
Identifiers: ClinVar variation 5017366 (VCV005017366.1).
Genomic context (GRCh38, chr6:142,753,762, plus strand): 5'-GGATGTAAACTGGAAAGGGCTGGCGGCATGGAGTGAACCATCTGGATCCCACCAACGGGC[A>G]CCATGGGGATAGGGGCTCGCACTTGTTGCTGAGAGTGGAGTGGAAGATGACTGAAGACAT-3'
Protein context (NP_006725.3, residues 2219-2239): QQQVRAPIPM[Val2229Ala]PVGGIQMVHS

ClinVar aggregate classification (germline): Uncertain significance (1 of 4 stars; one submission).

gnomAD v4.1: 2 of 1,614,162 alleles (0.00012%); highest among the groups gnomAD compares: Non-Finnish European, 0.00017%; no homozygotes.

Submission:

GeneDx
Classification: Uncertain significance. Last evaluated: 2026-03-27. Review status: criteria provided, single submitter. Criteria: GeneDx Variant Classification Process June 2021. Collection method: clinical testing. Allele origin: germline.
Comment: Not observed at significant frequency in large population cohorts (gnomAD); In silico analysis supports that this missense variant has a deleterious effect on protein structure/function; Has not been previously published as pathogenic or benign to our knowledge